The following is an entry in ClinVar:

ClinVar aggregate classification (germline): Uncertain significance (1 of 4 stars; one submission).

Allele frequency attached by ClinVar (database versions not stated): gnomAD exomes below 0.00001.
gnomAD v4.1: 1 of 1,612,158 alleles (0.000062%); highest among the groups gnomAD compares: Non-Finnish European, 0.000085%; no homozygotes.

Submission:

Labcorp Genetics (formerly Invitae), Labcorp
Classification: Uncertain significance. Last evaluated: 2023-11-13. Review status: criteria provided, single submitter. Criteria: Invitae Variant Classification Sherloc (09022015). Collection method: clinical testing. Allele origin: germline.
Comment: This sequence change affects codon 345 of the ACO2 mRNA. It is a 'silent' change, meaning that it does not change the encoded amino acid sequence of the ACO2 protein. It affects a nucleotide within the consensus splice site. This variant is not present in population databases (gnomAD no frequency). This variant has not been reported in the literature in individuals affected with ACO2-related conditions. Algorithms developed to predict the effect of sequence changes on RNA splicing suggest that this variant is not likely to affect RNA splicing. In summary, the available evidence is currently insufficient to determine the role of this variant in disease. Therefore, it has been classified as a Variant of Uncertain Significance.

NM_001098.3(ACO2):c.1033C>T (p.Leu345=)

Gene: ACO2 (aconitase 2; plus strand). Cytogenetic location: 22q13.2.
Variant type: single nucleotide variant.
Coding change: c.1033C>T on transcript NM_001098.3 (MANE Select); coding-DNA position 1033, C replaced by T.
Protein change: p.Leu345=; no amino-acid change (leucine 345 retained).
Molecular consequence: synonymous variant.
Genome position (GRCh38, 1-based): chr22:41,520,171, C>T. VCF-style: chr22-41520171-C-T. GRCh37 (hg19) VCF-style: chr22-41916175-C-T.
Identifiers: ClinVar variation 2695554 (VCV002695554.3), dbSNP rs2518227198, ClinGen allele CA514652628.